The following is an entry in ClinVar:

ClinVar aggregate classification (germline): Conflicting classifications of pathogenicity. Review status: criteria provided, conflicting classifications (1 of 4 stars). 9 submissions from 9 submitters: Uncertain significance (4); Likely benign (4). 1 of the submissions does not count toward it. Last evaluated 2026-03-25.

Conditions:
SYNE1-related disorder. Also called: SYNE1-related disease; SYNE1-related condition; SYNE1-related disorders.
Inborn genetic diseases. Identifiers: MedGen C0950123, MeSH D030342.
Emery-Dreifuss muscular dystrophy 4, autosomal dominant (EDMD4). Also called: EMERY-DREIFUSS MUSCULAR DYSTROPHY 4 WITH VARIABLE FEATURES. Identifiers: Orphanet 261, MedGen C2751807, MONDO:0013071, OMIM 612998.
Autosomal recessive ataxia, Beauce type. Also called: SYNE1-Related Autosomal Recessive Cerebellar Ataxia; SYNE1 Deficiency; Spinocerebellar ataxia, autosomal recessive 8; ATAXIA, RECESSIVE, OF BEAUCE. Identifiers: Orphanet 88644, MedGen C1853116, MONDO:0012549, OMIM 610743.
Intellectual disability. Also called: Intellectual functioning disability; intellectual disabilities; Intellectual developmental disorder. Identifiers: MedGen C3714756, MeSH D008607, MONDO:0001071, HP:0001249.

Allele frequency attached by ClinVar (database versions not stated): 1000 Genomes Project 30x 0.00016; 1000 Genomes Project 0.00020; gnomAD 0.00032; TOPMed 0.00046; ESP Exome Variant Server 0.00054.
gnomAD v4.1: 888 of 1,613,898 alleles (0.055%); highest among the groups gnomAD compares: Non-Finnish European, 0.072%; 2 homozygotes.

Submissions (9):

PreventionGenetics, part of Exact Sciences
Classification: Uncertain significance for SYNE1-related condition. Last evaluated: 2026-03-25. Review status: criteria provided, single submitter. Criteria: ACMG Guidelines, 2015. Collection method: clinical testing. Allele origin: germline.
Comment: The SYNE1 c.24510C>G variant is predicted to result in the amino acid substitution p.His8170Gln. To our knowledge, this variant has not been reported in the literature. This variant is reported in 0.12% of alleles in individuals of European (Non-Finnish) descent in gnomAD, including one homozygous individual. Although we suspect that this variant may be benign, at this time, the clinical significance of this variant is uncertain due to the absence of conclusive functional and genetic evidence.

Mayo Clinic Laboratories, Mayo Clinic
Classification: Likely benign. Last evaluated: 2025-11-03. Review status: criteria provided, single submitter. Criteria: ACMG Guidelines, 2015. Collection method: clinical testing. Allele origin: germline. Observed: 2 variant alleles.
Comment: BS1, BP4

Athena Diagnostics
Classification: Likely benign. Last evaluated: 2025-10-29. Review status: criteria provided, single submitter. Criteria: Athena Diagnostics Criteria. Collection method: clinical testing. Allele origin: unknown.
Comment: The frequency of this variant in the general population is higher than would generally be expected for pathogenic variants in this gene. Computational tools predict this amino acid change may be benign.

Labcorp Genetics (formerly Invitae), Labcorp
Classification: Uncertain significance for Emery-Dreifuss muscular dystrophy 4, autosomal dominant; Autosomal recessive ataxia, Beauce type. Last evaluated: 2025-01-06. Review status: criteria provided, single submitter. Criteria: Invitae Variant Classification Sherloc (09022015). Collection method: clinical testing. Allele origin: germline.
Comment: This sequence change replaces histidine, which is basic and polar, with glutamine, which is neutral and polar, at codon 8170 of the SYNE1 protein (p.His8170Gln). This variant is present in population databases (rs141586001, gnomAD 0.1%), and has an allele count higher than expected for a pathogenic variant. This variant has not been reported in the literature in individuals affected with SYNE1-related conditions. ClinVar contains an entry for this variant (Variation ID: 194306). An algorithm developed to predict the effect of missense changes on protein structure and function outputs the following: PolyPhen-2: "Benign". The glutamine amino acid residue is found in multiple mammalian species, which suggests that this missense change does not adversely affect protein function. In summary, the available evidence is currently insufficient to determine the role of this variant in disease. Therefore, it has been classified as a Variant of Uncertain Significance.

Ambry Genetics
Classification: Likely benign for Inborn genetic diseases. Last evaluated: 2021-10-06. Review status: criteria provided, single submitter. Criteria: Ambry Variant Classification Scheme 2023. Collection method: clinical testing. Allele origin: germline.

GeneDx
Classification: Likely benign. Last evaluated: 2020-06-01. Review status: criteria provided, single submitter. Criteria: GeneDx Variant Classification Process June 2021. Collection method: clinical testing. Allele origin: germline. Affected: yes.

Eurofins Ntd Llc (ga)
Classification: Uncertain significance. Last evaluated: 2017-08-07. Review status: criteria provided, single submitter. Criteria: EGL Classification Definitions 2015. Collection method: clinical testing. Allele origin: germline. Observed: 14 variant alleles, 14 heterozygotes.

ARUP Laboratories, Molecular Genetics and Genomics, ARUP Laboratories
Classification: Uncertain significance. Last evaluated: 2017-05-31. Review status: criteria provided, single submitter. Criteria: ARUP Molecular Germline Variant Investigation Process. Collection method: clinical testing. Allele origin: germline.
Comment: The p.His8170Gln variant (rs141586001) has not been reported in the medical literature, gene specific variation databases, nor has it been previously identified by our laboratory. This variant is listed in the Genome Aggregation Database (gnomAD) with a population frequency of 0.1 percent in the European Non-Finnish population (identified on 145 out of 125,962 chromosomes), and has been reported to the ClinVar database with conflicting interpretations. The histidine at position 8170 is weakly conserved and computational analyses of the p.His8170Gln variant on protein structure and function indicate a neutral effect (SIFT: tolerated, MutationTaster: polymorphism, PolyPhen-2: benign). Altogether, there is not enough evidence to classify the p.His8170Gln variant with certainty.

Centre de Biologie Pathologie Génétique, Centre Hospitalier Universitaire de Lille
Classification: Likely benign for Intellectual disability. Last evaluated: 2019-01-01. Review status: no assertion criteria provided. Collection method: clinical testing. Allele origin: inherited. Affected: yes. Not counted in ClinVar's aggregate classification.

NM_182961.4(SYNE1):c.24723C>G (p.His8241Gln)

Gene: SYNE1 (spectrin repeat containing nuclear envelope protein 1; minus strand). Cytogenetic location: 6q25.2.
Variant type: single nucleotide variant.
Coding change: c.24723C>G on transcript NM_182961.4 (MANE Select); coding-DNA position 24723, C replaced by G.
Protein change: p.His8241Gln; replaces histidine 8241 with glutamine.
Molecular consequence: missense variant.
Genome position (GRCh38, 1-based): chr6:152,148,298, G>C on the plus strand (C>G on the coding strand, the complement: SYNE1 is on the minus strand). VCF-style: chr6-152148298-G-C. GRCh37 (hg19) VCF-style: chr6-152469433-G-C.
Other names: c.1329C>G, p.His443Gln (NM_001347701.2); c.1188C>G, p.His396Gln (NM_001347702.2); c.24510C>G, p.His8170Gln (NM_033071.5); short protein forms H8170Q, H8241Q, H396Q, H443Q.
Identifiers: ClinVar variation 194306 (VCV000194306.36), dbSNP rs141586001, ClinGen allele CA240213.